The following continues an entry in ClinVar:

NM_000157.4(GBA1):c.1604G>A (p.Arg535His)

ClinVar aggregate classification (germline): Pathogenic/Likely pathogenic. Pathogenic (21); Likely pathogenic (1).

Submissions 11 to 24 of 24:

Fulgent Genetics
Classification: Pathogenic for Parkinson disease, late-onset. Last evaluated: 2021-05-03. Review status: criteria provided, single submitter. Criteria: ACMG Guidelines, 2015. Collection method: clinical testing. Allele origin: germline. Affected: yes.

Victorian Clinical Genetics Services, Murdoch Childrens Research Institute
Classification: Pathogenic for Gaucher disease type I. Last evaluated: 2020-10-15. Review status: criteria provided, single submitter. Criteria: ACMG Guidelines, 2015. Collection method: clinical testing. Allele origin: germline. Inheritance: Autosomal recessive inheritance.
Comment: Based on the classification scheme VCGS_Germline_v1.3.4, this variant is classified as Pathogenic. Following criteria are met: 0102 - Loss of function is a known mechanism of disease in this gene and is associated with Gaucher disease (OMIM). (I) 0106 - This gene is associated with autosomal recessive disease. (I) 0115 - Variants in this gene are known to have variable expressivity. Gaucher disease is associated with marked clinical variability, even within the same family (PMID: 31010158; 27735925). (I) 0200 - Variant is predicted to result in a missense amino acid change from arginine to histidine. (I) 0304 - Variant is present in gnomAD <0.01 for a recessive condition (v2) (34 heterozygotes, 0 homozygotes). (SP) 0309 - An alternative amino acid change at the same position has been observed in gnomAD (v2) (2 heterozygotes, 0 homozygotes). (I) 0504 - Same amino acid change has been observed in placental mammals. (SB) 0604 - Variant is not located in an established domain, motif, hotspot or informative constraint region. (I) 0801 - This variant has strong previous evidence of pathogenicity in unrelated individuals. This variant, also known as R496H in an alternative nomenclature, has been reported in at least 15 patients with Gaucher disease (GD) Type 1. It is often associated with a milder adult-onset GD clinical course, although some patients may experience symptoms during childhood (ClinVar; PMID: 27735925; 23430543). (SP) 1208 - Inheritance information for this variant is not currently available in this individual. (I) Legend: (SP) - Supporting pathogenic, (I) - Information, (SB) - Supporting benign

Broad Center for Mendelian Genomics, Broad Institute of MIT and Harvard
Classification: Pathogenic for Gaucher disease type I. Last evaluated: 2020-01-22. Review status: criteria provided, single submitter. Criteria: ACMG Guidelines, 2015. Collection method: curation. Allele origin: germline. Inheritance: Autosomal recessive inheritance.
Comment: The p.Arg535His variant in GBA has been reported in at least 24 individuals with Gaucher Disease (PMID: 17059888, 24756352, 17427031, 20629126, 7655857, 28947706, 23430543, 8432537) and has been identified in 0.2% (22/8934) of Ashkenazi Jewish chromosomes and 0.011% (2/17404) of African chromosomes by the Genome Aggregation Database (gnomAD; dbSNP rs75822236). Although this variant has been seen in the general population, its frequency is low enough to be consistent with a recessive carrier frequency taking into consideration that the carrier frequency of GBA variants is increased in the Ashkenazi Jewish population. This variant has also been reported in ClinVar (VariationID: 4311) as pathogenic by EGL Genetic Diagnostics, Knight Diagnostic Laboratories, Counsyl, Integrated Genetics, Fulgent Genetics, and OMIM. In vitro functional studies showing the variant to result in significantly reduced CRIM specific activity provide some evidence that the p.Arg535His variant may slightly impact protein function (PMID: 16293621). However, these types of assays may not accurately represent biological function. Computational prediction tools and conservation analyses do not provide strong support for or against an impact to the protein. However, the presence of this variant in one affected homozygote and in combination with reported pathogenic variants (VariationID: 4302, 4297, 4290, 4288; PMID: 23430543, 28947706, 20629126, 17059888, 8432537) in 9 individuals with Gaucher disease increases the likelihood that the p.Arg535His variant is pathogenic. The phenotype of an individual compound heterozygous for this variant is highly specific for Gaucher disease based on beta-glucosidase levels being below the diagnostic cutoff of 8.7nmol/h/mg protein consistent with disease (PMID: 20629126). One additional pathogenic variant, resulting in a different amino acid change at the same position, p.Arg535Cys, has been reported in association with disease in ClinVar and the literature, slightly supporting that a change at this position may not be tolerated (Variation ID: 242383; PMID: 27865684, 30637984, 30764785). In summary, this variant meets criteria to be classified as pathogenic for Gaucher disease in an autosomal recessive manner based on the presence of the variant in combination with other pathogenic variants in affected individual and the presence of another pathogenic variant at the same position. ACMG/AMP Criteria applied: PM3_very-strong, PM5, PM2_supporting, PP4, PS3_supporting (Richards 2015).

Myriad Genetics, Inc.
Classification: Pathogenic for Gaucher disease type I. Last evaluated: 2019-12-19. Review status: criteria provided, single submitter. Criteria: Myriad Women's Health Autosomal Recessive and X-Linked Classification Criteria (2019). Collection method: clinical testing. Allele origin: unknown.
Comment: NM_001005741.2(GBA):c.1604G>A(R535H, aka R496H) is classified as pathogenic in the context of Gaucher disease and is associated with Type 1 form of disease. Sources cited for classification include the following: PMID 25558695, 8213821, 16293621, 84325327, 12972024, 9240741 and 7916532. Classification of NM_001005741.2(GBA):c.1604G>A(R535H, aka R496H) is based on the following criteria: This is a well-established pathogenic variant in the literature that has been observed more frequently in patients with clinical diagnoses than in healthy populations. Please note: this variant was assessed in the context of healthy population screening.

GeneDx
Classification: Pathogenic. Last evaluated: 2019-12-11. Review status: criteria provided, single submitter. Criteria: GeneDx Variant Classification Process June 2021. Collection method: clinical testing. Allele origin: germline. Affected: yes.
Comment: Published functional studies demonstrate that this variant had little or no catalytic activity (Liou et al., 2006); This variant is associated with the following publications: (PMID: 33176831, 29471591, 31589614, 32985097, 32042592, 28966932, 29842932, 27735925, 23430543, 12972024, 8432537, 18434642, 26233692, 26857292, 16148263, 22935721, 16293621, 22975760, 23699752, 23588557)

Hadassah Hebrew University Medical Center
Classification: Pathogenic for Gaucher disease, type I. Last evaluated: 2019-06-20. Review status: criteria provided, single submitter. Criteria: ACMG Guidelines, 2015. Collection method: clinical testing. Allele origin: germline. Affected: yes.

Laboratory for Molecular Medicine, Mass General Brigham Personalized Medicine
Classification: Pathogenic for Gaucher disease type I. Last evaluated: 2018-12-06. Review status: criteria provided, single submitter. Criteria: LMM Criteria. Collection method: clinical testing. Allele origin: germline. Inheritance: Autosomal recessive inheritance. Observed: 1 variant allele.
Comment: The p.Arg535His (also known as p.Arg496His) variant in GBA has been reported in >20 compound heterozygous individuals (majority of Ashkenazi Jewish origin) with mild forms of Gaucher disease type I (Beutler 1993, Brautbar 2003, Yang 2017). This variant is considered a mild variant, with compound heterozygotes typically presenting as asymptomatic to mild, non-neurological cases (Brautbar 2003, Yang 2017). No homozygotes have been reported, and it is hypothesized that homozygot es may be asymptomatic. This variant was also identified in 0.25% (22/8934) of A shkenazi Jewish chromosomes by gnomAD and in ClinVar (Variation ID# 4311). In vitro functional studies support an impact on p rotein function (Liou 2006, Choy 1996). In summary, this variant meets criteria to be classified as pathogenic for autosomal recessive Gaucher disease. ACMG/AMP Criteria applied: PM3_Very Strong, PS3_Moderate, PS4_Moderate.

Women's Health and Genetics/Laboratory Corporation of America, LabCorp
Classification: Pathogenic for Gaucher disease. Last evaluated: 2016-01-19. Review status: criteria provided, single submitter. Criteria: LabCorp Variant Classification Summary - May 2015. Collection method: clinical testing. Allele origin: germline.

Eurofins Ntd Llc (ga)
Classification: Pathogenic. Last evaluated: 2015-04-27. Review status: criteria provided, single submitter. Criteria: EGL Classification Definitions. Collection method: clinical testing. Allele origin: germline. Observed: 3 variant alleles, 2 heterozygotes, 1 homozygote.

Knight Diagnostic Laboratories, Oregon Health and Sciences University
Classification: Pathogenic for Gaucher's disease, type 1. Last evaluated: 2015-02-02. Review status: criteria provided, single submitter. Criteria: ACMG Guidelines, 2015. Collection method: clinical testing. Allele origin: germline. Inheritance: Autosomal recessive inheritance. Affected: no.

Baylor Genetics
Classification: Pathogenic for Gaucher disease type I; Gaucher disease type II; Gaucher disease type III; Gaucher disease-ophthalmoplegia-cardiovascular calcification syndrome. Review status: criteria provided, single submitter. Criteria: ACMG Guidelines, 2015. Collection method: clinical testing. Allele origin: germline.

Hadassah Hebrew University Medical Center
Classification: Pathogenic for Gaucher disease perinatal lethal. Review status: criteria provided, single submitter. Criteria: ACMG Guidelines, 2015. Collection method: research. Allele origin: germline. Affected: no. Observed: 2 variant alleles.

OMIM
Classification: Pathogenic for GAUCHER DISEASE, TYPE I. Last evaluated: 1993-06-15. Review status: no assertion criteria provided. Collection method: literature only. Allele origin: germline. Not counted in ClinVar's aggregate classification.

GeneReviews
No classification provided. Condition: Gaucher disease. Review status: no classification provided. Collection method: literature only. Allele origin: germline. Not counted in ClinVar's aggregate classification.

Literature cited by the submitters: PubMed 8432537 (cited by 7 submitters); PubMed 12972024 (cited by 4 submitters); PubMed 23430543 (cited by 4 submitters); PubMed 23588557 (cited by 4 submitters); PubMed 23699752 (cited by 4 submitters); PubMed 25933391 (cited by Labcorp Genetics (formerly Invitae), Labcorp); PubMed 27735925 (cited by 6 submitters); PubMed 16293621 (cited by 8 submitters); PubMed 27865684 (cited by Variantyx, Inc.); PubMed 30764785 (cited by Variantyx, Inc.); PubMed 30637984 (cited by Variantyx, Inc.); PubMed 34134921 (cited by Natera, Inc.); PubMed 22429443 (cited by Natera, Inc.); PubMed 34649574 (cited by Natera, Inc.); PubMed 1487244 (cited by Ambry Genetics); PubMed 17427031 (cited by Ambry Genetics and Broad Center for Mendelian Genomics, Broad Institute of MIT and Harvard); PubMed 20672374 (cited by Ambry Genetics); PubMed 22975760 (cited by AiLife Diagnostics); PubMed 29842932 (cited by AiLife Diagnostics); PubMed 28966932 (cited by AiLife Diagnostics); PubMed 32042592 (cited by AiLife Diagnostics); PubMed 31010158 (cited by Victorian Clinical Genetics Services, Murdoch Childrens Research Institute); PubMed 7655857 (cited by Broad Center for Mendelian Genomics, Broad Institute of MIT and Harvard); PubMed 20629126 (cited by Broad Center for Mendelian Genomics, Broad Institute of MIT and Harvard); PubMed 28947706 (cited by Broad Center for Mendelian Genomics, Broad Institute of MIT and Harvard); PubMed 17059888 (cited by Broad Center for Mendelian Genomics, Broad Institute of MIT and Harvard); PubMed 25558695 (cited by Myriad Genetics, Inc.); PubMed 8213821 (cited by Myriad Genetics, Inc.); PubMed 84325327 (cited by Myriad Genetics, Inc.); PubMed 9240741 (cited by Myriad Genetics, Inc. and Laboratory for Molecular Medicine, Mass General Brigham Personalized Medicine); PubMed 7916532 (cited by Myriad Genetics, Inc.); PubMed 33223529 (cited by Hadassah Hebrew University Medical Center); PubMed 8516282 (cited by OMIM).